The following is an entry in ClinVar:

NM_003476.5(CSRP3):c.414G>T (p.Lys138Asn)

Gene: CSRP3 (cysteine and glycine rich protein 3; minus strand). Cytogenetic location: 11p15.1.
Variant type: single nucleotide variant.
Coding change: c.414G>T on transcript NM_003476.5 (MANE Select); coding-DNA position 414, G replaced by T.
Protein change: p.Lys138Asn; replaces lysine 138 with asparagine.
Molecular consequence: missense variant.
Genome position (GRCh38, 1-based): chr11:19,186,216, C>A on the plus strand (G>T on the coding strand, the complement: CSRP3 is on the minus strand). VCF-style: chr11-19186216-C-A. GRCh37 (hg19) VCF-style: chr11-19207763-C-A.
Other names: c.245G>T, p.Ser82Ile (NM_001369404.1); short protein forms S82I, K138N.
Identifiers: ClinVar variation 3836970 (VCV003836970.1).

ClinVar aggregate classification (germline): Uncertain significance (1 of 4 stars; one submission).

Conditions:
Cardiovascular phenotype. Identifiers: MedGen CN230736.

gnomAD v4.1: 1 of 1,614,032 alleles (0.000062%); highest among the groups gnomAD compares: Non-Finnish European, 0.000085%; no homozygotes.

Submission:

Ambry Genetics
Classification: Uncertain significance for Cardiovascular phenotype. Last evaluated: 2024-12-20. Review status: criteria provided, single submitter. Criteria: Ambry Variant Classification Scheme 2023. Collection method: clinical testing. Allele origin: germline.
Comment: The p.K138N variant (also known as c.414G>T), located in coding exon 3 of the CSRP3 gene, results from a G to T substitution at nucleotide position 414. The amino acid change results in lysine to asparagine at codon 138, an amino acid with similar properties. However, this change occurs in the last base pair of coding exon 3, which makes it likely to have some effect on normal mRNA splicing. This nucleotide position is well conserved in available vertebrate species. This amino acid position is highly conserved in available vertebrate species. In silico splice site analysis predicts that this alteration will weaken the native splice donor site and may result in the creation or strengthening of a novel splice donor site. In addition, as a missense substitution this is predicted to be tolerated by in silico analysis. Based on the available evidence, the clinical significance of this variant remains unclear.